The following is an entry in ClinVar:

NM_213599.3(ANO5):c.340del (p.Glu114fs)

Gene: ANO5 (anoctamin 5; plus strand). Cytogenetic location: 11p14.3.
Variant type: Deletion.
Coding change: c.340del on transcript NM_213599.3 (MANE Select); coding-DNA position 340, one base deleted (G; older notation c.340delG).
Protein change: p.Glu114fs; shifts the reading frame from glutamic acid 114.
Molecular consequence: frameshift variant.
Genome position (GRCh38, 1-based): chr11:22,226,029, G deleted. VCF-style (leftmost placement, unchanged base first): chr11-22226028-TG-T. GRCh37 (hg19) VCF-style: chr11-22247574-TG-T.
Other names: c.337del, p.Glu113fs (NM_001142649.2); c.298delG, p.Glu100Serfs (NM_001410963.1); c.295delG, p.Glu99Serfs (NM_001410964.1); short protein forms E113fs, E114fs.
Identifiers: ClinVar variation 2112096 (VCV002112096.4), dbSNP rs2494141839, ClinGen allele CA2580082858.

ClinVar aggregate classification (germline): Pathogenic (1 of 4 stars; one submission).

Conditions:
Gnathodiaphyseal dysplasia (GDD). Also called: GNATHODIAPHYSEAL SCLEROSIS; OSTEOGENESIS IMPERFECTA WITH UNUSUAL SKELETAL LESIONS. Identifiers: Orphanet 53697, MedGen C1833736, MONDO:0008151, OMIM 166260.
Autosomal recessive limb-girdle muscular dystrophy type 2L (LGMDR12). Also called: Limb-girdle muscular dystrophy, type 2L; MUSCULAR DYSTROPHY, LIMB-GIRDLE, AUTOSOMAL RECESSIVE 12; Limb-Girdle Muscular Dystrophy R12 Anoctamin-5-Related (LGMD-R12). Identifiers: Orphanet 206549, MedGen C1969785, MONDO:0012652, OMIM 611307.

Submission:

Labcorp Genetics (formerly Invitae), Labcorp
Classification: Pathogenic for Autosomal recessive limb-girdle muscular dystrophy type 2L; Gnathodiaphyseal dysplasia. Last evaluated: 2022-03-14. Review status: criteria provided, single submitter. Criteria: Invitae Variant Classification Sherloc (09022015). Collection method: clinical testing. Allele origin: germline.
Comment: For these reasons, this variant has been classified as Pathogenic. Algorithms developed to predict the effect of sequence changes on RNA splicing suggest that this variant may disrupt the consensus splice site. This variant has not been reported in the literature in individuals affected with ANO5-related conditions. This variant is not present in population databases (gnomAD no frequency). This sequence change creates a premature translational stop signal (p.Glu114Serfs*4) in the ANO5 gene. It is expected to result in an absent or disrupted protein product. Loss-of-function variants in ANO5 are known to be pathogenic (PMID: 21186264, 23606453, 25891276, 30919934).

Literature cited by the submitters: PubMed 21186264; PubMed 23606453; PubMed 25891276; PubMed 30919934.